The following is an entry in ClinVar:

NM_021969.3(NR0B2):c.256C>T (p.Arg86Trp)

Genes: NR0B2 (nuclear receptor subfamily 0 group B member 2; minus strand), NUDC (nuclear distribution C, dynein complex regulator; plus strand). Cytogenetic location: 1p36.11.
Variant type: single nucleotide variant.
Coding change: c.256C>T on transcript NM_021969.3 (MANE Select); coding-DNA position 256, C replaced by T.
Protein change: p.Arg86Trp; replaces arginine 86 with tryptophan.
Molecular consequence: missense variant.
Genome position (GRCh38, 1-based): chr1:26,913,685, G>A on the plus strand (C>T on the coding strand, the complement: NR0B2 is on the minus strand). VCF-style: chr1-26913685-G-A. GRCh37 (hg19) VCF-style: chr1-27240176-G-A.
Other names: short protein forms R86W.
Identifiers: ClinVar variation 2634174 (VCV002634174.6), dbSNP rs750666067, ClinGen allele CA709690.

ClinVar aggregate classification (germline): Uncertain significance. Review status: criteria provided, multiple submitters, no conflicts (2 of 4 stars). 3 submissions from 3 submitters: Uncertain significance (3). Last evaluated 2026-04-29.

Conditions:
Inherited obesity. Also called: Monogenic Obesity. Identifiers: Orphanet 77828, MedGen C4054476, MONDO:0019182, OMIM 601665.
NR0B2-related disorder. Also called: NR0B2-related condition.

Allele frequency attached by ClinVar (database versions not stated): ExAC 0.00001; gnomAD exomes 0.00003; TOPMed 0.00005; gnomAD 0.00011.
gnomAD v4.1: 60 of 1,612,896 alleles (0.0037%); highest among the groups gnomAD compares: Admixed American, 0.035%; no homozygotes.

Submissions (3):

PreventionGenetics, part of Exact Sciences
Classification: Uncertain significance for NR0B2-related condition. Last evaluated: 2026-04-29. Review status: criteria provided, single submitter. Criteria: ACMG Guidelines, 2015. Collection method: clinical testing. Allele origin: germline.
Comment: The NR0B2 c.256C>T variant is predicted to result in the amino acid substitution p.Arg86Trp. This variant was reported as de novo in a patient with schizophrenia, although this gene is not typically associated with this disorder (Table S1, Fromer et al. 2014. PubMed ID: 24463507). This variant is reported in 0.0087% of alleles in individuals of Latino descent in gnomAD. At this time, the clinical significance of this variant is uncertain due to the absence of conclusive functional and genetic evidence.

Genomic Medicine Center of Excellence, King Faisal Specialist Hospital and Research Centre
Classification: Uncertain significance for Inherited obesity. Last evaluated: 2025-09-10. Review status: criteria provided, single submitter. Criteria: ACMG Guidelines, 2015. Collection method: clinical testing. Allele origin: germline.

Labcorp Genetics (formerly Invitae), Labcorp
Classification: Uncertain significance. Last evaluated: 2025-03-22. Review status: criteria provided, single submitter. Criteria: Invitae Variant Classification Sherloc (09022015). Collection method: clinical testing. Allele origin: germline.
Comment: This sequence change replaces arginine, which is basic and polar, with tryptophan, which is neutral and slightly polar, at codon 86 of the NR0B2 protein (p.Arg86Trp). This variant is present in population databases (rs750666067, gnomAD 0.006%). This variant has not been reported in the literature in individuals affected with NR0B2-related conditions. ClinVar contains an entry for this variant (Variation ID: 2634174). Invitae Evidence Modeling of protein sequence and biophysical properties (such as structural, functional, and spatial information, amino acid conservation, physicochemical variation, residue mobility, and thermodynamic stability) indicates that this missense variant is not expected to disrupt NR0B2 protein function with a negative predictive value of 80%. In summary, the available evidence is currently insufficient to determine the role of this variant in disease. Therefore, it has been classified as a Variant of Uncertain Significance.